The following is an entry in ClinVar:

ClinVar aggregate classification (germline): Benign. Review status: criteria provided, multiple submitters, no conflicts (2 of 4 stars). 5 submissions from 5 submitters: Benign (4). 1 of the submissions does not count toward it. Last evaluated 2026-02-03.

Conditions:
Inborn genetic diseases. Identifiers: MedGen C0950123, MeSH D030342.
Intellectual developmental disorder, autosomal dominant 6, with or without seizures. Also called: Intellectual disability, autosomal dominant 6; GRIN2B-related developmental delay, intellectual disability and autism spectrum disorder. Identifiers: Orphanet 589547, MedGen C3151411, MONDO:0013509, OMIM 613970.
Developmental and epileptic encephalopathy, 27 (DEE27). Also called: Epileptic encephalopathy, early infantile, 27; GRIN2B-Related Neurodevelopmental Disorder. Identifiers: Orphanet 3451, MedGen C4015316, MONDO:0014505, OMIM 616139.

Allele frequency attached by ClinVar (database versions not stated): gnomAD 0.02453 and 0.02647; 1000 Genomes Project 0.02516; 1000 Genomes Project 30x 0.02608; TOPMed 0.02635; ESP Exome Variant Server 0.02883.
gnomAD v4.1: 7,486 of 1,613,766 alleles (0.46%); highest among the groups gnomAD compares: African/African-American, 8.6%; 294 homozygotes.

Submissions (5):

Labcorp Genetics (formerly Invitae), Labcorp
Classification: Benign for Developmental and epileptic encephalopathy, 27; Intellectual developmental disorder, autosomal dominant 6, with or without seizures. Last evaluated: 2026-02-03. Review status: criteria provided, single submitter. Criteria: Invitae Variant Classification Sherloc (09022015). Collection method: clinical testing. Allele origin: germline.

Ambry Genetics
Classification: Benign for Inborn genetic diseases. Last evaluated: 2016-04-15. Review status: criteria provided, single submitter. Criteria: Ambry Variant Classification Scheme 2023. Collection method: clinical testing. Allele origin: germline.

GeneDx
Classification: Benign. Last evaluated: 2013-11-14. Review status: criteria provided, single submitter. Criteria: GeneDx Variant Classification (06012015). Collection method: clinical testing. Allele origin: germline. Affected: yes.
Comment: This variant is considered likely benign or benign based on one or more of the following criteria: it is a conservative change, it occurs at a poorly conserved position in the protein, it is predicted to be benign by multiple in silico algorithms, and/or has population frequency not consistent with disease.

Breakthrough Genomics
Classification: Benign. Review status: criteria provided, single submitter. Criteria: ACMG Guidelines, 2015. Collection method: not provided. Allele origin: germline. Inheritance: Autosomal dominant inheritance. Affected: yes.

Genetic Services Laboratory, University of Chicago
Classification: Likely benign for AllHighlyPenetrant. Review status: no assertion criteria provided. Collection method: clinical testing. Allele origin: germline. Inheritance: Autosomal dominant inheritance. Not counted in ClinVar's aggregate classification.
Comment: Likely benign based on allele frequency in 1000 Genomes Project or ESP global frequency and its presence in a patient with a rare or unrelated disease phenotype. NOT Sanger confirmed.

NM_000834.5(GRIN2B):c.870C>T (p.Pro290=)

Gene: GRIN2B (glutamate ionotropic receptor NMDA type subunit 2B; minus strand). Cytogenetic location: 12p13.1.
Variant type: single nucleotide variant.
Coding change: c.870C>T on transcript NM_000834.5 (MANE Select); coding-DNA position 870, C replaced by T.
Protein change: p.Pro290=; no amino-acid change (proline 290 retained).
Molecular consequence: synonymous variant.
Genome position (GRCh38, 1-based): chr12:13,753,457, G>A on the plus strand (C>T on the coding strand, the complement: GRIN2B is on the minus strand). VCF-style: chr12-13753457-G-A. GRCh37 (hg19) VCF-style: chr12-13906391-G-A.
Other names: p.P290P:CCC>CCT.
Identifiers: ClinVar variation 129208 (VCV000129208.22), dbSNP rs1124894, ClinGen allele CA153052.